The following is an entry in ClinVar:

NM_001379451.1(BCORL1):c.1780A>G (p.Thr594Ala)

Gene: BCORL1 (BCL6 corepressor like 1; plus strand). Cytogenetic location: Xq26.1.
Variant type: single nucleotide variant.
Coding change: c.1780A>G on transcript NM_001379451.1 (MANE Select); coding-DNA position 1780, A replaced by G.
Protein change: p.Thr594Ala; replaces threonine 594 with alanine.
Molecular consequence: missense variant.
Genome position (GRCh38, 1-based): chrX:130,014,552, A>G. VCF-style: chrX-130014552-A-G. GRCh37 (hg19) VCF-style: chrX-129148528-A-G.
Other names: c.1780A>G, p.Thr594Ala (NM_021946.5, NM_001441328.1, NM_001441329.1 and 7 more transcripts); short protein forms T594A.
Identifiers: ClinVar variation 4867434 (VCV004867434.1).

ClinVar aggregate classification (germline): Uncertain significance (1 of 4 stars; one submission).

gnomAD v4.1: 7 of 1,209,346 alleles (0.00058%); highest among the groups gnomAD compares: Non-Finnish European, 0.00078%; no homozygotes.

Submission:

Ambry Genetics
Classification: Uncertain significance. Last evaluated: 2026-05-27. Review status: criteria provided, single submitter. Criteria: Ambry Variant Classification Scheme 2023. Collection method: clinical testing. Allele origin: germline.
Comment: The c.1780A>G (p.T594A) alteration is located in exon 3 (coding exon 3) of the BCORL1 gene. This alteration results from a A to G substitution at nucleotide position 1780, causing the threonine (T) at amino acid position 594 to be replaced by an alanine (A). Based on data from gnomAD, the G allele has an overall frequency of 0.001% (2/183024) total alleles studied. The highest observed frequency was 0.002% (2/81694) of European (non-Finnish) alleles. Based on insufficient or conflicting evidence, the clinical significance of this alteration remains unclear.